The following is an entry in ClinVar:

NM_001184880.2(PCDH19):c.1645dup (p.Val549fs)

Gene: PCDH19 (protocadherin 19; minus strand). Cytogenetic location: Xq22.1.
Variant type: Duplication.
Coding change: c.1645dup on transcript NM_001184880.2 (MANE Select); coding-DNA position 1645, one base duplicated (G; older notation c.1645dupG).
Protein change: p.Val549fs; shifts the reading frame from valine 549.
Molecular consequence: frameshift variant.
Genome position (GRCh38, 1-based): chrX:100,406,953, C duplicated on the plus strand (G on the coding strand, the reverse complement: PCDH19 is on the minus strand); the first of 2 consecutive C bases (chrX:100,406,953-100,406,954); duplicating either gives the same sequence. VCF-style (leftmost placement, unchanged base first): chrX-100406952-A-AC. GRCh37 (hg19) VCF-style: chrX-99661950-A-AC.
Other names: c.1645dup, p.Val549fs (NM_001105243.2, NM_020766.3); short protein forms V549fs.
Identifiers: ClinVar variation 850651 (VCV000850651.8), dbSNP rs1928374520, ClinGen allele CA916083979.

ClinVar aggregate classification (germline): Pathogenic (1 of 4 stars; one submission).

Conditions:
Developmental and epileptic encephalopathy, 9 (DEE9). Also called: Early infantile epileptic encephalopathy 9; PCDH19-Related X-Linked Female-Limited Epilepsy with Mental Retardation; EPILEPSY, FEMALE-RESTRICTED, WITH MENTAL RETARDATION; JUBERG-HELLMAN SYNDROME. Identifiers: Orphanet 101039, Orphanet 2076, MedGen C1848137, MONDO:0010246, OMIM 300088. Disease mechanism: loss of function.

Submission:

Labcorp Genetics (formerly Invitae), Labcorp
Classification: Pathogenic for Developmental and epileptic encephalopathy, 9. Last evaluated: 2019-03-03. Review status: criteria provided, single submitter. Criteria: Invitae Variant Classification Sherloc (09022015). Collection method: clinical testing. Allele origin: germline.
Comment: For these reasons, this variant has been classified as Pathogenic. Loss-of-function variants in PCDH19 are known to be pathogenic (PMID: 21053371). This variant has not been reported in the literature in individuals with PCDH19-related conditions. This variant is not present in population databases (ExAC no frequency). This sequence change creates a premature translational stop signal (p.Val549Glyfs*22) in the PCDH19 gene. It is expected to result in an absent or disrupted protein product.

Literature cited by the submitters: PubMed 21053371.